The following is an entry in ClinVar:

ClinVar aggregate classification (germline): Uncertain significance (0 of 4 stars; one submission).

Conditions:
Familial cancer of breast. Also called: hereditary breast carcinoma; Hereditary breast cancer; BREAST CANCER, FAMILIAL. Identifiers: Orphanet 227535, MedGen C0346153, MONDO:0016419, OMIM 114480. Disease mechanism: loss of function.

Submission:

MVZ Praenatalmedizin und Genetik Nuernberg
Classification: Uncertain significance for Familial cancer of breast. Last evaluated: 2016-11-01. Review status: no assertion criteria provided. Collection method: clinical testing. Allele origin: unknown. Affected: yes. Observed: 1 variant allele, 1 heterozygote.

NM_024675.4(PALB2):c.2756T>G (p.Val919Gly)

Gene: PALB2 (partner and localizer of BRCA2; minus strand). Cytogenetic location: 16p12.2.
Variant type: single nucleotide variant.
Coding change: c.2756T>G on transcript NM_024675.4 (MANE Select); coding-DNA position 2756, T replaced by G.
Protein change: p.Val919Gly; replaces valine 919 with glycine.
Molecular consequence: missense variant.
Genome position (GRCh38, 1-based): chr16:23,624,087, A>C on the plus strand (T>G on the coding strand, the complement: PALB2 is on the minus strand). VCF-style: chr16-23624087-A-C. GRCh37 (hg19) VCF-style: chr16-23635408-A-C.
Other names: short protein forms V919G.
Identifiers: ClinVar variation 279602 (VCV000279602.3), dbSNP rs886041103, ClinGen allele CA10602721.